The following is an entry in ClinVar:

NM_001101362.3(KBTBD13):c.188A>T (p.Gln63Leu)

Gene: KBTBD13 (kelch repeat and BTB domain containing 13; plus strand). Cytogenetic location: 15q22.31.
Variant type: single nucleotide variant.
Coding change: c.188A>T on transcript NM_001101362.3 (MANE Select); coding-DNA position 188, A replaced by T.
Protein change: p.Gln63Leu; replaces glutamine 63 with leucine.
Molecular consequence: missense variant.
Genome position (GRCh38, 1-based): chr15:65,077,003, A>T. VCF-style: chr15-65077003-A-T. GRCh37 (hg19) VCF-style: chr15-65369341-A-T.
Other names: short protein forms Q63L.
Identifiers: ClinVar variation 257453 (VCV000257453.47), dbSNP rs202004658, ClinGen allele CA7613893.

ClinVar aggregate classification (germline): Benign/Likely benign. Review status: criteria provided, multiple submitters, no conflicts (2 of 4 stars). 8 submissions from 8 submitters: Benign (5); Likely benign (3). Last evaluated 2026-02-03.

Conditions:
Nemaline myopathy 6 (NEM6). Also called: Nemaline myopathy 6, autosomal dominant. Identifiers: Orphanet 171439, MedGen C1836472, MONDO:0012237, OMIM 609273.

Allele frequency attached by ClinVar (database versions not stated): 1000 Genomes Project 30x 0.00031; ExAC 0.00053; ESP Exome Variant Server 0.00069; TOPMed 0.00084; gnomAD exomes 0.00086 and 0.00158; gnomAD 0.00170 and 0.00175.
gnomAD v4.1: 2,454 of 1,525,808 alleles (0.16%); highest among the groups gnomAD compares: Non-Finnish European, 0.17%; 5 homozygotes.

Submissions (8):

Labcorp Genetics (formerly Invitae), Labcorp
Classification: Benign for Nemaline myopathy 6. Last evaluated: 2026-02-03. Review status: criteria provided, single submitter. Criteria: Invitae Variant Classification Sherloc (09022015). Collection method: clinical testing. Allele origin: germline.

CeGaT Center for Human Genetics Tuebingen
Classification: Benign. Last evaluated: 2025-12-01. Review status: criteria provided, single submitter. Criteria: CeGaT Center For Human Genetics Tuebingen Variant Classification Criteria Version 2. Collection method: clinical testing. Allele origin: germline. Affected: yes. Observed: 4 variant alleles.
Comment: KBTBD13: BS1, BS2

Laboratory of Genetics, Children's Clinical University Hospital Latvia
Classification: Benign. Last evaluated: 2025-02-16. Review status: criteria provided, single submitter. Criteria: ACMG Guidelines, 2015. Collection method: clinical testing. Allele origin: germline. Affected: yes.

Blueprint Genetics
Classification: Likely benign. Last evaluated: 2024-11-07. Review status: criteria provided, single submitter. Criteria: ACMG Guidelines, 2015. Collection method: clinical testing. Allele origin: germline.

GeneDx
Classification: Benign. Last evaluated: 2019-10-17. Review status: criteria provided, single submitter. Criteria: GeneDx Variant Classification Process June 2021. Collection method: clinical testing. Allele origin: germline. Affected: yes.

Illumina Laboratory Services, Illumina
Classification: Benign for Nemaline myopathy 6. Last evaluated: 2018-01-13. Review status: criteria provided, single submitter. Criteria: ICSL Variant Classification Criteria 13 December 2019. Collection method: clinical testing. Allele origin: germline.
Comment: This variant was observed in the ICSL laboratory as part of a predisposition screen in an ostensibly healthy population. It had not been previously curated by ICSL or reported in the Human Gene Mutation Database (HGMD: prior to June 1st, 2018), and was therefore a candidate for classification through an automated scoring system. Utilizing variant allele frequency, disease prevalence and penetrance estimates, and inheritance mode, an automated score was calculated to assess if this variant is too frequent to cause the disease. Based on the score and internal cut-off values, a variant classified as benign is not then subjected to further curation. The score for this variant resulted in a classification of benign for this disease.

Genetic Services Laboratory, University of Chicago
Classification: Likely benign. Last evaluated: 2016-06-10. Review status: criteria provided, single submitter. Criteria: ACMG Guidelines, 2015. Collection method: clinical testing. Allele origin: germline. Affected: no.

PreventionGenetics, part of Exact Sciences
Classification: Likely benign. Review status: criteria provided, single submitter. Criteria: ACMG Guidelines, 2015. Collection method: clinical testing. Allele origin: germline.